The following is an entry in ClinVar:

NM_002181.4(IHH):c.925G>A (p.Val309Met)

Gene: IHH (Indian hedgehog signaling molecule; minus strand). Cytogenetic location: 2q35.
Variant type: single nucleotide variant.
Coding change: c.925G>A on transcript NM_002181.4 (MANE Select); coding-DNA position 925, G replaced by A.
Protein change: p.Val309Met; replaces valine 309 with methionine.
Molecular consequence: missense variant.
Genome position (GRCh38, 1-based): chr2:219,055,518, C>T on the plus strand (G>A on the coding strand, the complement: IHH is on the minus strand). VCF-style: chr2-219055518-C-T. GRCh37 (hg19) VCF-style: chr2-219920240-C-T.
Other names: short protein forms V309M.
Identifiers: ClinVar variation 1306609 (VCV001306609.9), dbSNP rs759546196, ClinGen allele CA2116571.

ClinVar aggregate classification (germline): Uncertain significance. Review status: criteria provided, multiple submitters, no conflicts (2 of 4 stars). 4 submissions from 4 submitters: Uncertain significance (3). 1 of the submissions does not count toward it. Last evaluated 2025-04-09.

Conditions:
IHH-related disorder. Also called: IHH-related condition.

Allele frequency attached by ClinVar (database versions not stated): ExAC 0.00002; gnomAD 0.00003; gnomAD exomes 0.00003; TOPMed 0.00005.

Submissions (4):

Women's Health and Genetics/Laboratory Corporation of America, LabCorp
Classification: Uncertain significance. Last evaluated: 2025-04-09. Review status: criteria provided, single submitter. Criteria: LabCorp Variant Classification Summary - May 2015. Collection method: clinical testing. Allele origin: germline.
Comment: Variant summary: IHH c.925G>A (p.Val309Met) results in a conservative amino acid change in the encoded protein sequence. Four of five in-silico tools predict a benign effect of the variant on protein function. The variant allele was found at a frequency of 2.8e-05 in 245748 control chromosomes. The available data on variant occurrences in the general population are insufficient to allow any conclusion about variant significance. To our knowledge, no occurrence of c.925G>A in individuals affected with IHH-Related Disorders and no experimental evidence demonstrating its impact on protein function have been reported. ClinVar contains an entry for this variant (Variation ID: 1306609). Based on the evidence outlined above, the variant was classified as uncertain significance.

Labcorp Genetics (formerly Invitae), Labcorp
Classification: Uncertain significance. Last evaluated: 2023-07-07. Review status: criteria provided, single submitter. Criteria: Invitae Variant Classification Sherloc (09022015). Collection method: clinical testing. Allele origin: germline.
Comment: In summary, the available evidence is currently insufficient to determine the role of this variant in disease. Therefore, it has been classified as a Variant of Uncertain Significance. Advanced modeling of protein sequence and biophysical properties (such as structural, functional, and spatial information, amino acid conservation, physicochemical variation, residue mobility, and thermodynamic stability) performed at Invitae indicates that this missense variant is not expected to disrupt IHH protein function. ClinVar contains an entry for this variant (Variation ID: 1306609). This variant has not been reported in the literature in individuals affected with IHH-related conditions. This variant is present in population databases (rs759546196, gnomAD 0.01%). This sequence change replaces valine, which is neutral and non-polar, with methionine, which is neutral and non-polar, at codon 309 of the IHH protein (p.Val309Met).

GeneDx
Classification: Uncertain significance. Last evaluated: 2019-06-24. Review status: criteria provided, single submitter. Criteria: GeneDx Variant Classification Process June 2021. Collection method: clinical testing. Allele origin: germline. Affected: yes.
Comment: In silico analysis, which includes protein predictors and evolutionary conservation, supports that this variant does not alter protein structure/function; Has not been previously published as pathogenic or benign to our knowledge

PreventionGenetics, part of Exact Sciences
Classification: Uncertain significance for IHH-related condition. Last evaluated: 2024-07-01. Review status: no assertion criteria provided. Collection method: clinical testing. Allele origin: germline. Not counted in ClinVar's aggregate classification.
Comment: The IHH c.925G>A variant is predicted to result in the amino acid substitution p.Val309Met. To our knowledge, this variant has not been reported in the literature. This variant is reported in 0.015% of alleles in individuals of Latino descent in gnomAD. At this time, the clinical significance of this variant is uncertain due to the absence of conclusive functional and genetic evidence.